The following is an entry in ClinVar:

NM_000441.2(SLC26A4):c.798_799insTTCAATC (p.Thr267fs)

Gene: SLC26A4 (solute carrier family 26 member 4; plus strand). Cytogenetic location: 7q22.3.
Variant type: Insertion.
Coding change: c.798_799insTTCAATC on transcript NM_000441.2 (MANE Select); coding-DNA positions 798 to 799, TTCAATC inserted.
Protein change: p.Thr267fs; shifts the reading frame from threonine 267.
Molecular consequence: frameshift variant.
Genome position: GRCh38 VCF-style: chr7-107683234-T-TTTCAATC. GRCh37 (hg19) VCF-style: chr7-107323679-T-TTTCAATC.
Other names: short protein forms T267fs.
Identifiers: ClinVar variation 3601783 (VCV003601783.1).

ClinVar aggregate classification (germline): Pathogenic (1 of 4 stars; one submission).

Conditions:
Autosomal recessive nonsyndromic hearing loss 4 (DFNB4). Also called: Deafness, autosomal recessive 4; FOXI1-Related Pendred Syndrome; KCNJ10-Related Pendred Syndrome; DEAFNESS, AUTOSOMAL RECESSIVE 4, WITH ENLARGED VESTIBULAR AQUEDUCT, DIGENIC; NEUROSENSORY NONSYNDROMIC RECESSIVE DEAFNESS 4; Nonsyndromic enlarged vestibular aqueduct (NSEVA). Identifiers: Orphanet 90636, MedGen C3538946, MONDO:0010933, OMIM 600791.

Submission:

Institute of Rare Diseases, West China Hospital, Sichuan University
Classification: Pathogenic for Autosomal recessive nonsyndromic hearing loss 4. Last evaluated: 2025-01-09. Review status: criteria provided, single submitter. Criteria: ClinGen HL ACMG Specifications v1. Collection method: research. Allele origin: germline. Affected: yes.
Comment: PVS1;PM3;PP4;PM2_Supporting